The following is an entry in ClinVar:

ClinVar aggregate classification (germline): Uncertain significance (1 of 4 stars; one submission).

Submission:

GeneDx
Classification: Uncertain significance. Last evaluated: 2024-01-03. Review status: criteria provided, single submitter. Criteria: GeneDx Variant Classification Process June 2021. Collection method: clinical testing. Allele origin: germline. Affected: yes.
Comment: In silico analysis supports that this missense variant has a deleterious effect on protein structure/function; Has not been previously published as pathogenic or benign to our knowledge

NM_005529.7(HSPG2):c.883G>A (p.Gly295Arg)

Gene: HSPG2 (heparan sulfate proteoglycan 2; minus strand). Cytogenetic location: 1p36.12.
Variant type: single nucleotide variant.
Coding change: c.883G>A on transcript NM_005529.7 (MANE Select); coding-DNA position 883, G replaced by A.
Protein change: p.Gly295Arg; replaces glycine 295 with arginine.
Molecular consequence: missense variant.
Genome position (GRCh38, 1-based): chr1:21,887,495, C>T on the plus strand (G>A on the coding strand, the complement: HSPG2 is on the minus strand). VCF-style: chr1-21887495-C-T. GRCh37 (hg19) VCF-style: chr1-22213988-C-T.
Other names: c.883G>A, p.Gly295Arg (NM_001291860.2); short protein forms G295R.
Identifiers: ClinVar variation 3369950 (VCV003369950.1).